The following is an entry in ClinVar:

NM_005120.3(MED12):c.5970C>A (p.His1990Gln)

Gene: MED12 (mediator complex subunit 12; plus strand). Cytogenetic location: Xq13.1.
Variant type: single nucleotide variant.
Coding change: c.5970C>A on transcript NM_005120.3 (MANE Select); coding-DNA position 5970, C replaced by A.
Protein change: p.His1990Gln; replaces histidine 1990 with glutamine.
Molecular consequence: missense variant.
Genome position (GRCh38, 1-based): chrX:71,137,869, C>A. VCF-style: chrX-71137869-C-A. GRCh37 (hg19) VCF-style: chrX-70357719-C-A.
Other names: c.5970C>A (NM_005120.2); short protein forms H1990Q.
Identifiers: ClinVar variation 3022542 (VCV003022542.4), dbSNP rs979097944, ClinGen allele CA330983966.

ClinVar aggregate classification (germline): Uncertain significance. Review status: criteria provided, multiple submitters, no conflicts (2 of 4 stars). 2 submissions from 2 submitters: Uncertain significance (2). Last evaluated 2024-11-17.

Conditions:
Familial thoracic aortic aneurysm and aortic dissection (TAAD). Also called: Thoracic aortic aneurysms and dissections. Identifiers: Orphanet 91387, MedGen C4707243, MONDO:0019625.
FG syndrome (FGS). Identifiers: MedGen C0220769, MONDO:0002010.

Allele frequency attached by ClinVar (database versions not stated): TOPMed 0.00003.

Submissions (2):

Labcorp Genetics (formerly Invitae), Labcorp
Classification: Uncertain significance for FG syndrome. Last evaluated: 2024-11-17. Review status: criteria provided, single submitter. Criteria: Invitae Variant Classification Sherloc (09022015). Collection method: clinical testing. Allele origin: germline.
Comment: This sequence change replaces histidine, which is basic and polar, with glutamine, which is neutral and polar, at codon 1990 of the MED12 protein (p.His1990Gln). This variant is not present in population databases (gnomAD no frequency). This variant has not been reported in the literature in individuals affected with MED12-related conditions. ClinVar contains an entry for this variant (Variation ID: 3022542). Invitae Evidence Modeling of protein sequence and biophysical properties (such as structural, functional, and spatial information, amino acid conservation, physicochemical variation, residue mobility, and thermodynamic stability) indicates that this missense variant is not expected to disrupt MED12 protein function with a negative predictive value of 95%. In summary, the available evidence is currently insufficient to determine the role of this variant in disease. Therefore, it has been classified as a Variant of Uncertain Significance.

Ambry Genetics
Classification: Uncertain significance for Familial thoracic aortic aneurysm and aortic dissection. Last evaluated: 2023-11-09. Review status: criteria provided, single submitter. Criteria: Ambry Variant Classification Scheme 2023. Collection method: clinical testing. Allele origin: germline.
Comment: The p.H1990Q variant (also known as c.5970C>A), located in coding exon 41 of the MED12 gene, results from a C to A substitution at nucleotide position 5970. The histidine at codon 1990 is replaced by glutamine, an amino acid with highly similar properties. This amino acid position is conserved. In addition, this alteration is predicted to be tolerated by in silico analysis. Since supporting evidence is limited at this time, the clinical significance of this alteration remains unclear.